The following is an entry in ClinVar:

NM_005188.4(CBL):c.1826G>T (p.Trp609Leu)

Gene: CBL (Cbl proto-oncogene; plus strand). Cytogenetic location: 11q23.3.
Variant type: single nucleotide variant.
Coding change: c.1826G>T on transcript NM_005188.4 (MANE Select); coding-DNA position 1826, G replaced by T.
Protein change: p.Trp609Leu; replaces tryptophan 609 with leucine.
Molecular consequence: missense variant.
Genome position (GRCh38, 1-based): chr11:119,285,451, G>T. VCF-style: chr11-119285451-G-T. GRCh37 (hg19) VCF-style: chr11-119156161-G-T.
Other names: short protein forms W609L.
Identifiers: ClinVar variation 3996048 (VCV003996048.1).
Genomic context (GRCh38, chr11:119,285,451, plus strand): 5'-CATGGCTGCCCCGGCCAATCCCCAAAGTACCAGTATCTGCCCCAAGTTCCAGTGATCCCT[G>T]GACAGGAAGAGAATTAACCAACCGGCACTCACTTCCATTTTCATTGCCCTCACAAATGGA-3'
Protein context (NP_005179.2, residues 599-619): PVSAPSSSDP[Trp609Leu]TGRELTNRHS

ClinVar aggregate classification (germline): Uncertain significance (1 of 4 stars; one submission).

Conditions:
Cardiovascular phenotype. Identifiers: MedGen CN230736.

Submission:

Ambry Genetics
Classification: Uncertain significance for Cardiovascular phenotype. Last evaluated: 2025-05-07. Review status: criteria provided, single submitter. Criteria: Ambry Variant Classification Scheme 2023. Collection method: clinical testing. Allele origin: germline.
Comment: The p.W609L variant (also known as c.1826G>T), located in coding exon 11 of the CBL gene, results from a G to T substitution at nucleotide position 1826. The tryptophan at codon 609 is replaced by leucine, an amino acid with similar properties. This amino acid position is conserved. In addition, the in silico prediction for this alteration is inconclusive. Based on the available evidence, the clinical significance of this variant remains unclear.